The following is an entry in ClinVar:

ClinVar aggregate classification (germline): Uncertain significance (1 of 4 stars; one submission).

Conditions:
Hereditary cancer-predisposing syndrome. Also called: Neoplastic Syndromes, Hereditary; Tumor predisposition; Hereditary neoplastic syndrome; Hereditary Cancer Syndrome. Identifiers: Orphanet 140162, MedGen C0027672, MeSH D009386, MONDO:0015356.

gnomAD v4.1: 2 of 1,612,062 alleles (0.00012%); highest among the groups gnomAD compares: Non-Finnish European, 0.00017%; no homozygotes.

Submission:

Ambry Genetics
Classification: Uncertain significance for Hereditary cancer-predisposing syndrome. Last evaluated: 2025-08-18. Review status: criteria provided, single submitter. Criteria: Ambry Variant Classification Scheme 2023. Collection method: clinical testing. Allele origin: germline.
Comment: The p.S1820T variant (also known as c.5458T>A), located in coding exon 15 of the APC gene, results from a T to A substitution at nucleotide position 5458. The serine at codon 1820 is replaced by threonine, an amino acid with similar properties. This amino acid position is not well conserved in available vertebrate species. In addition, in silico predictors for this gene do not accurately predict pathogenicity. Missense alterations in APC are not a common cause of disease (Spier I et al. Genet Med. 2024 Feb;26(2):100992). Since supporting evidence is limited at this time, the clinical significance of this alteration remains unclear.

NM_000038.6(APC):c.5458T>A (p.Ser1820Thr)

Gene: APC (APC regulator of Wnt signaling pathway; plus strand). Cytogenetic location: 5q22.2.
Variant type: single nucleotide variant.
Coding change: c.5458T>A on transcript NM_000038.6 (MANE Select); coding-DNA position 5458, T replaced by A.
Protein change: p.Ser1820Thr; replaces serine 1820 with threonine.
Molecular consequence: missense variant.
Genome position (GRCh38, 1-based): chr5:112,841,052, T>A. VCF-style: chr5-112841052-T-A. GRCh37 (hg19) VCF-style: chr5-112176749-T-A.
Other names: c.5458T>A, p.Ser1820Thr (NM_001127510.3, NM_001354895.2); c.5404T>A, p.Ser1802Thr (NM_001127511.3); c.5512T>A, p.Ser1838Thr (NM_001354896.2); c.5488T>A, p.Ser1830Thr (NM_001354897.2); c.5383T>A, p.Ser1795Thr (NM_001354898.2); c.5374T>A, p.Ser1792Thr (NM_001354899.2); c.5335T>A, p.Ser1779Thr (NM_001354900.2); c.5281T>A, p.Ser1761Thr (NM_001354901.2); and 5 more; short protein forms S1729T, S1537T, S1660T, S1792T, S1802T, S1838T, S1694T, S1719T.
Identifiers: ClinVar variation 825749 (VCV000825749.5), dbSNP rs1301894985, ClinGen allele CA16033271.
Genomic context (GRCh38, chr5:112,841,052, plus strand): 5'-AATGCTGAGAGAGTTTTCTCAGACAACAAAGATTCAAAGAAACAGAATTTGAAAAATAAT[T>A]CCAAGGTCTTCAATGATAAGCTCCCAAATAATGAAGATAGAGTCAGAGGAAGTTTTGCTT-3'
Protein context (NP_000029.2, residues 1810-1830): DSKKQNLKNN[Ser1820Thr]KVFNDKLPNN